The following is an entry in ClinVar:

NC_000015.9:g.(?_38545387)_(38643865_?)dup

Gene: SPRED1 (sprouty related EVH1 domain containing 1; plus strand). Cytogenetic location: 15q14.
Variant type: Duplication.
Identifiers: ClinVar variation 3243809 (VCV003243809.1).

ClinVar aggregate classification (germline): Uncertain significance (1 of 4 stars; one submission).

Conditions:
Legius syndrome. Identifiers: Orphanet 137605, MedGen C1969623, MONDO:0012669, OMIM 611431. Disease mechanism: loss of function.

Submission:

Labcorp Genetics (formerly Invitae), Labcorp
Classification: Uncertain significance for Legius syndrome. Last evaluated: 2023-08-27. Review status: criteria provided, single submitter. Criteria: Invitae Variant Classification Sherloc (09022015). Collection method: clinical testing. Allele origin: unknown.
Comment: In summary, the available evidence is currently insufficient to determine the role of this variant in disease. Therefore, it has been classified as a Variant of Uncertain Significance. This variant has not been reported in the literature in individuals affected with SPRED1-related conditions. A copy number gain of the genomic region encompassing the full coding sequence of the SPRED1 gene has been identified. The boundaries of this event are unknown as they extend beyond the assayed region for this gene and therefore may encompass additional genes. As the precise location of this event is unknown, it may be in tandem or it may be located elsewhere in the genome.